The following is an entry in ClinVar:

ClinVar aggregate classification (germline): Likely benign (1 of 4 stars; one submission).

Allele frequency attached by ClinVar (database versions not stated): ExAC 0.00012; 1000 Genomes Project 30x 0.00062; 1000 Genomes Project 0.00079; TOPMed 0.00079; gnomAD 0.00082.
gnomAD v4.1: 134 of 513,932 alleles (0.026%); highest among the groups gnomAD compares: African/African-American, 0.27%; 1 homozygote.

Submission:

CeGaT Center for Human Genetics Tuebingen
Classification: Likely benign. Last evaluated: 2022-12-01. Review status: criteria provided, single submitter. Criteria: CeGaT Center For Human Genetics Tuebingen Variant Classification Criteria Version 2. Collection method: clinical testing. Allele origin: germline. Affected: yes. Observed: 1 variant allele.
Comment: TEX13C: BP4, BS2

NM_001195272.2(TEX13C):c.607C>A (p.Pro203Thr)

Gene: TEX13C (TEX13 family member C; plus strand). Cytogenetic location: Xq25.
Variant type: single nucleotide variant.
Coding change: c.607C>A on transcript NM_001195272.2 (MANE Select); coding-DNA position 607, C replaced by A.
Protein change: p.Pro203Thr; replaces proline 203 with threonine.
Molecular consequence: missense variant.
Genome position (GRCh38, 1-based): chrX:125,320,726, C>A. VCF-style: chrX-125320726-C-A. GRCh37 (hg19) VCF-style: chrX-124454575-C-A.
Other names: short protein forms P203T.
Identifiers: ClinVar variation 2661372 (VCV002661372.24), dbSNP rs192356374, ClinGen allele CA10510555.